The following is an entry in ClinVar:

ClinVar aggregate classification (germline): Uncertain significance. Review status: criteria provided, multiple submitters, no conflicts (2 of 4 stars). 2 submissions from 2 submitters: Uncertain significance (2). Last evaluated 2026-02-16.

Conditions:
Hereditary hemorrhagic telangiectasia (HHT). Also called: ORW DISEASE; Osler Weber Rendu syndrome; OSLER-RENDU-WEBER DISEASE; Osler hemorrhagic telangiectasia syndrome. Identifiers: Orphanet 774, MedGen C0039445, MONDO:0019180. Disease mechanism: loss of function.
Cardiovascular phenotype. Identifiers: MedGen CN230736.

Submissions (2):

Ambry Genetics
Classification: Uncertain significance for Cardiovascular phenotype. Last evaluated: 2026-02-16. Review status: criteria provided, single submitter. Criteria: Ambry Variant Classification Scheme 2023. Collection method: clinical testing. Allele origin: germline.
Comment: The p.M356R variant (also known as c.1067T>G), located in coding exon 8 of the ENG gene, results from a T to G substitution at nucleotide position 1067. The methionine at codon 356 is replaced by arginine, an amino acid with similar properties. This amino acid position is conserved. In addition, this alteration is predicted to be tolerated by in silico analysis. Based on the available evidence, the clinical significance of this variant remains unclear.

Labcorp Genetics (formerly Invitae), Labcorp
Classification: Uncertain significance for Hereditary hemorrhagic telangiectasia. Last evaluated: 2021-12-02. Review status: criteria provided, single submitter. Criteria: Invitae Variant Classification Sherloc (09022015). Collection method: clinical testing. Allele origin: germline.
Comment: In summary, the available evidence is currently insufficient to determine the role of this variant in disease. Therefore, it has been classified as a Variant of Uncertain Significance. Advanced modeling of protein sequence and biophysical properties (such as structural, functional, and spatial information, amino acid conservation, physicochemical variation, residue mobility, and thermodynamic stability) performed at Invitae indicates that this missense variant is not expected to disrupt ENG protein function. This variant has not been reported in the literature in individuals affected with ENG-related conditions. This variant is not present in population databases (gnomAD no frequency). This sequence change replaces methionine, which is neutral and non-polar, with arginine, which is basic and polar, at codon 356 of the ENG protein (p.Met356Arg).

NM_001114753.3(ENG):c.1067T>G (p.Met356Arg)

Gene: ENG (endoglin; minus strand). Cytogenetic location: 9q34.11.
Variant type: single nucleotide variant.
Coding change: c.1067T>G on transcript NM_001114753.3 (MANE Select); coding-DNA position 1067, T replaced by G.
Protein change: p.Met356Arg; replaces methionine 356 with arginine.
Molecular consequence: missense variant.
Genome position (GRCh38, 1-based): chr9:127,824,371, A>C on the plus strand (T>G on the coding strand, the complement: ENG is on the minus strand). VCF-style: chr9-127824371-A-C. GRCh37 (hg19) VCF-style: chr9-130586650-A-C.
Other names: c.1067T>G (NM_001114753.1); c.1067T>G, p.Met356Arg (NM_000118.4, NM_001406715.1); c.521T>G, p.Met174Arg (NM_001278138.2); short protein forms M356R, M174R.
Identifiers: ClinVar variation 1488959 (VCV001488959.8), dbSNP rs138190783, ClinGen allele CA374981464.